The following is an entry in ClinVar:

NM_000552.5(VWF):c.6599-20A>T

Gene: VWF (von Willebrand factor; minus strand). Cytogenetic location: 12p13.31.
Variant type: single nucleotide variant.
Coding change: c.6599-20A>T on transcript NM_000552.5 (MANE Select); 20 bases into the intron before coding-DNA position 6599, A replaced by T.
Molecular consequence: intron variant.
Genome position (GRCh38, 1-based): chr12:5,992,038, T>A on the plus strand (A>T on the coding strand, the complement: VWF is on the minus strand). VCF-style: chr12-5992038-T-A. GRCh37 (hg19) VCF-style: chr12-6101204-T-A.
Identifiers: ClinVar variation 100444 (VCV000100444.2), dbSNP rs61750621, ClinGen allele CA228750.

ClinVar aggregate classification (germline): Uncertain significance. Review status: criteria provided, single submitter (1 of 4 stars). 2 submissions from 2 submitters: Uncertain significance (1). 1 of the submissions does not count toward it. Last evaluated 2025-09-10.

Allele frequency attached by ClinVar (database versions not stated): gnomAD exomes 0.00010 and 0.00016; gnomAD 0.00012; ESP Exome Variant Server 0.00015; TOPMed 0.00012; ExAC 0.00012.
gnomAD v4.1: 250 of 1,612,572 alleles (0.016%); highest among the groups gnomAD compares: Non-Finnish European, 0.02%; no homozygotes.

Submissions (2):

Women's Health and Genetics/Laboratory Corporation of America, LabCorp
Classification: Uncertain significance. Last evaluated: 2025-09-10. Review status: criteria provided, single submitter. Criteria: LabCorp Variant Classification Summary - May 2015. Collection method: clinical testing. Allele origin: germline.
Comment: Variant summary: VWF c.6599-20A>T alters a non-conserved nucleotide located at a position not widely known to affect splicing. Consensus agreement among computation tools predict no significant impact on normal splicing. However, under a stressful experimental condition, an aberrant transcript skipping exon 38 was identifed in patient's cells, which was absent in the normal experimental condition (Hawke_2016). The variant allele was found at a frequency of 0.0001 in 248726 control chromosomes, predominantly at a frequency of 0.00019 within the Non-Finnish European subpopulation in the gnomAD database v2, and was reported at 250 heterozygotes in gnomAD v4 database. This frequency is not significantly higher than estimated for disease-causing variants in VWF, allowing no conclusion about variant significance. c.6599-20A>T has been observed in individual(s) affected with Von Willebrand Disease, but its pathogenicity was rejected by a study using UK Biobank participants (James_2007, Hawke_2016, Stefanucci_2023). The following publications have been ascertained in the context of this evaluation (PMID: 27317792, 17190853, 37647632). ClinVar contains an entry for this variant (Variation ID: 100444). Based on the evidence outlined above, the variant was classified as uncertain significance.

Academic Unit of Haematology, University of Sheffield
No classification provided. Review status: no classification provided. Collection method: not provided. Allele origin: not provided. Not counted in ClinVar's aggregate classification.

Literature cited by the submitters: PubMed 17190853 (cited by Women's Health and Genetics/Laboratory Corporation of America, LabCorp); PubMed 37647632 (cited by Women's Health and Genetics/Laboratory Corporation of America, LabCorp); PubMed 27317792 (cited by Women's Health and Genetics/Laboratory Corporation of America, LabCorp).